The following is an entry in ClinVar:

NM_001376.5(DYNC1H1):c.1587C>T (p.Asn529=)

Gene: DYNC1H1 (dynein cytoplasmic 1 heavy chain 1; plus strand). Cytogenetic location: 14q32.31.
Variant type: single nucleotide variant.
Coding change: c.1587C>T on transcript NM_001376.5 (MANE Select); coding-DNA position 1587, C replaced by T.
Protein change: p.Asn529=; no amino-acid change (asparagine 529 retained).
Molecular consequence: synonymous variant.
Genome position (GRCh38, 1-based): chr14:101,985,812, C>T. VCF-style: chr14-101985812-C-T. GRCh37 (hg19) VCF-style: chr14-102452149-C-T.
Identifiers: ClinVar variation 377816 (VCV000377816.55), dbSNP rs138418906, ClinGen allele CA7351721.
Genomic context (GRCh38, chr14:101,985,812, plus strand): 5'-GGTTCTCTTTGATGCTGCAGATGCAAATGCCATTGAGGAAGTAAACCTTGCTTATGAGAA[C>T]GTCAAGGAAGTGGATGGACTGGATGTTTCCAAAGAGGGCACGGAAGCCTGGGAGGCTGCT-3'
Protein context (NP_001367.2, residues 519-539): AIEEVNLAYE[Asn529=]VKEVDGLDVS

ClinVar aggregate classification (germline): Benign/Likely benign. Review status: criteria provided, multiple submitters, no conflicts (2 of 4 stars). 12 submissions from 11 submitters: Benign (11); Likely benign (1). Last evaluated 2026-01-24.

Conditions:
Inborn genetic diseases. Identifiers: MedGen C0950123, MeSH D030342.
Charcot-Marie-Tooth disease. Also called: Charcot-Marie-Tooth Neuropathy; Charcot-Marie-Tooth Hereditary Neuropathy. Identifiers: Orphanet 166, MedGen C0007959, MONDO:0015626.
Charcot-Marie-Tooth disease axonal type 2O. Also called: Charcot-Marie-Tooth Neuropathy Type 2O; CHARCOT-MARIE-TOOTH NEUROPATHY, AXONAL, TYPE 2O; CHARCOT-MARIE-TOOTH DISEASE, AXONAL, AUTOSOMAL DOMINANT, TYPE 2O; Charcot-Marie-Tooth disease, axonal, type 20. Identifiers: Orphanet 284232, MedGen C3280220, MONDO:0013644, OMIM 614228.
Autosomal dominant cerebellar ataxia. Also called: Spinocerebellar Ataxia, Dominant. Identifiers: Orphanet 99, MedGen C4087347, MONDO:0020380.

Allele frequency attached by ClinVar (database versions not stated): gnomAD exomes 0.00024 and 0.00072; ExAC 0.00109; gnomAD 0.00290 and 0.00302; TOPMed 0.00312; 1000 Genomes Project 0.00319; 1000 Genomes Project 30x 0.00390; ESP Exome Variant Server 0.00392.
gnomAD v4.1: 797 of 1,614,104 alleles (0.049%); highest among the groups gnomAD compares: African/African-American, 0.98%; 3 homozygotes.

Submissions (12):

Labcorp Genetics (formerly Invitae), Labcorp
Classification: Benign for Charcot-Marie-Tooth disease axonal type 2O. Last evaluated: 2026-01-24. Review status: criteria provided, single submitter. Criteria: Invitae Variant Classification Sherloc (09022015). Collection method: clinical testing. Allele origin: germline.

CeGaT Center for Human Genetics Tuebingen
Classification: Likely benign. Last evaluated: 2025-12-01. Review status: criteria provided, single submitter. Criteria: CeGaT Center For Human Genetics Tuebingen Variant Classification Criteria Version 2. Collection method: clinical testing. Allele origin: germline. Affected: yes. Observed: 5 variant alleles.
Comment: DYNC1H1: BP4, BP7

Blueprint Genetics
Classification: Benign. Last evaluated: 2024-11-13. Review status: criteria provided, single submitter. Criteria: ACMG Guidelines, 2015. Collection method: clinical testing. Allele origin: germline.

ARUP Laboratories, Molecular Genetics and Genomics, ARUP Laboratories
Classification: Benign. Last evaluated: 2020-03-13. Review status: criteria provided, single submitter. Criteria: ARUP Molecular Germline Variant Investigation Process. Collection method: clinical testing. Allele origin: germline.

Illumina Laboratory Services, Illumina
Classification: Benign for Spinocerebellar Ataxia, Dominant. Last evaluated: 2018-01-13. Review status: criteria provided, single submitter. Criteria: ICSL Variant Classification Criteria 13 December 2019. Collection method: clinical testing. Allele origin: germline.
Comment: This variant was observed in the ICSL laboratory as part of a predisposition screen in an ostensibly healthy population. It had not been previously curated by ICSL or reported in the Human Gene Mutation Database (HGMD: prior to June 1st, 2018), and was therefore a candidate for classification through an automated scoring system. Utilizing variant allele frequency, disease prevalence and penetrance estimates, and inheritance mode, an automated score was calculated to assess if this variant is too frequent to cause the disease. Based on the score and internal cut-off values, a variant classified as benign is not then subjected to further curation. The score for this variant resulted in a classification of benign for this disease.

Illumina Laboratory Services, Illumina
Classification: Benign for Charcot-Marie-Tooth disease axonal type 2O. Last evaluated: 2018-01-13. Review status: criteria provided, single submitter. Criteria: ICSL Variant Classification Criteria 13 December 2019. Collection method: clinical testing. Allele origin: germline.
Comment: the same text as in the submission from Illumina Laboratory Services, Illumina above.

Athena Diagnostics
Classification: Benign. Last evaluated: 2017-10-25. Review status: criteria provided, single submitter. Criteria: Athena Diagnostics Criteria. Collection method: clinical testing. Allele origin: germline.

Genetic Services Laboratory, University of Chicago
Classification: Benign. Last evaluated: 2017-10-13. Review status: criteria provided, single submitter. Criteria: ACMG Guidelines, 2015. Collection method: clinical testing. Allele origin: germline. Affected: no.

Ambry Genetics
Classification: Benign for Inborn genetic diseases. Last evaluated: 2016-05-15. Review status: criteria provided, single submitter. Criteria: Ambry Variant Classification Scheme 2023. Collection method: clinical testing. Allele origin: germline.

GeneDx
Classification: Benign. Last evaluated: 2016-03-14. Review status: criteria provided, single submitter. Criteria: GeneDx Variant Classification (06012015). Collection method: clinical testing. Allele origin: germline. Affected: yes.
Comment: This variant is considered likely benign or benign based on one or more of the following criteria: it is a conservative change, it occurs at a poorly conserved position in the protein, it is predicted to be benign by multiple in silico algorithms, and/or has population frequency not consistent with disease.

Breakthrough Genomics
Classification: Benign. Review status: criteria provided, single submitter. Criteria: ACMG Guidelines, 2015. Collection method: not provided. Allele origin: germline. Inheritance: Autosomal dominant inheritance. Affected: yes.

Molecular Genetics Laboratory, London Health Sciences Centre
Classification: Benign for Charcot-Marie-Tooth disease. Review status: criteria provided, single submitter. Criteria: ACMG Guidelines, 2015. Collection method: clinical testing. Allele origin: germline. Affected: yes.